The following is an entry in ClinVar:

NM_014727.3(KMT2B):c.4044del (p.Asn1348fs)

Gene: KMT2B (lysine methyltransferase 2B; plus strand). Cytogenetic location: 19q13.12.
Variant type: Deletion.
Coding change: c.4044del on transcript NM_014727.3 (MANE Select); coding-DNA position 4044, one base deleted (C; older notation c.4044delC).
Protein change: p.Asn1348fs; shifts the reading frame from asparagine 1348.
Molecular consequence: frameshift variant.
Genome position (GRCh38, 1-based): chr19:35,727,196, C deleted. VCF-style (leftmost placement, unchanged base first): chr19-35727195-AC-A. GRCh37 (hg19) VCF-style: chr19-36218096-AC-A.
Other names: short protein forms N1348fs.
Identifiers: ClinVar variation 3658912 (VCV003658912.2).
Genomic context (GRCh38, chr19:35,727,195, plus strand): 5'-CCTTCTCTTCCCTTTCTCTAGGAAACTACTGCCCGATCTGTACACGCTGCTATGAAGACA[AC>A]GACTATGAGAGCAAGATGATGCAGTGCGCACAGTGCGATCACTGGGTGCATGCCAAGTGC-3'

ClinVar aggregate classification (germline): Pathogenic (1 of 4 stars; one submission).

Submission:

Labcorp Genetics (formerly Invitae), Labcorp
Classification: Pathogenic. Last evaluated: 2025-07-07. Review status: criteria provided, single submitter. Criteria: Invitae Variant Classification Sherloc (09022015). Collection method: clinical testing. Allele origin: germline.
Comment: This sequence change creates a premature translational stop signal (p.Asn1348Lysfs*7) in the KMT2B gene. It is expected to result in an absent or disrupted protein product. Loss-of-function variants in KMT2B are known to be pathogenic (PMID: 27839873, 27992417). This variant is not present in population databases (gnomAD no frequency). This variant has not been reported in the literature in individuals affected with KMT2B-related conditions. ClinVar contains an entry for this variant (Variation ID: 3658912). For these reasons, this variant has been classified as Pathogenic.

Literature cited by the submitters: PubMed 27839873; PubMed 27992417.